The following is an entry in ClinVar:

ClinVar aggregate classification (germline): Pathogenic. Review status: reviewed by expert panel (3 of 4 stars). 4 submissions from 4 submitters: Pathogenic (1). 3 of the submissions do not count toward it. Last evaluated 2016-09-08.

Conditions:
Hereditary breast ovarian cancer syndrome. Also called: Hereditary breast and ovarian cancer syndrome; Hereditary breast and ovarian cancer; Hereditary breast and ovarian cancer syndrome (HBOC); Breast and ovarian cancer; Hereditary breast and/or ovarian cancer syndrome; BRCA1- and BRCA2-Associated Hereditary Breast and Ovarian Cancer. Identifiers: Orphanet 145, MedGen C0677776, MeSH D061325, MONDO:0003582. Disease mechanism: loss of function.
Breast-ovarian cancer, familial, susceptibility to, 2 (BROVCA2). Also called: BRCA2 Hereditary Breast and Ovarian Cancer. Identifiers: Orphanet 145, MedGen C2675520, MONDO:0012933, OMIM 612555. Disease mechanism: loss of function.

Allele frequency attached by ClinVar (database versions not stated): TOPMed below 0.00001.

Submissions (4):

Evidence-based Network for the Interpretation of Germline Mutant Alleles (ENIGMA)
Classification: Pathogenic for Breast-ovarian cancer, familial, susceptibility to, 2. Last evaluated: 2016-09-08. Review status: reviewed by expert panel. Criteria: ENIGMA BRCA1/2 Classification Criteria (2015). Collection method: curation. Allele origin: germline.
Comment: Variant allele predicted to encode a truncated non-functional protein.

Labcorp Genetics (formerly Invitae), Labcorp
Classification: Pathogenic for Hereditary breast ovarian cancer syndrome. Last evaluated: 2025-10-05. Review status: criteria provided, single submitter. Criteria: Invitae Variant Classification Sherloc (09022015). Collection method: clinical testing. Allele origin: germline. Not counted in ClinVar's aggregate classification.
Comment: This sequence change creates a premature translational stop signal (p.Glu2210Glyfs*14) in the BRCA2 gene. It is expected to result in an absent or disrupted protein product. Loss-of-function variants in BRCA2 are known to be pathogenic (PMID: 20104584). This variant is not present in population databases (gnomAD no frequency). This premature translational stop signal has been observed in individual(s) with breast cancer (PMID: 10091212, 15535929). This variant is also known as 6857delAA. ClinVar contains an entry for this variant (Variation ID: 52137). Algorithms developed to predict the effect of sequence changes on RNA splicing suggest that this variant may create or strengthen a splice site. For these reasons, this variant has been classified as Pathogenic.

Consortium of Investigators of Modifiers of BRCA1/2 (CIMBA), c/o University of Cambridge
Classification: Pathogenic for Breast-ovarian cancer, familial, susceptibility to, 2. Last evaluated: 2015-10-02. Review status: criteria provided, single submitter. Criteria: CIMBA Mutation Classification guidelines May 2016. Collection method: clinical testing. Allele origin: germline. Not counted in ClinVar's aggregate classification.

Breast Cancer Information Core (BIC) (BRCA2)
Classification: Pathogenic for Breast-ovarian cancer, familial 2. Last evaluated: 1999-04-07. Review status: no assertion criteria provided. Collection method: clinical testing. Allele origin: germline. Affected: yes. Observed: 5 variant alleles. Not counted in ClinVar's aggregate classification.

Literature cited by the submitters: PubMed 20104584 (cited by Labcorp Genetics (formerly Invitae), Labcorp); PubMed 10091212 (cited by Labcorp Genetics (formerly Invitae), Labcorp); PubMed 15535929 (cited by Labcorp Genetics (formerly Invitae), Labcorp).

NM_000059.4(BRCA2):c.6629_6630del (p.Glu2210fs)

Gene: BRCA2 (BRCA2 DNA repair associated; plus strand). Cytogenetic location: 13q13.1.
Variant type: Deletion.
Coding change: c.6629_6630del on transcript NM_000059.4 (MANE Select); coding-DNA positions 6629 to 6630, 2 bases deleted (AA; older notation c.6629_6630delAA).
Protein change: p.Glu2210fs; shifts the reading frame from glutamic acid 2210.
Molecular consequence: frameshift variant.
Genome position (GRCh38, 1-based): chr13:32,340,984-32,340,985, AA deleted. VCF-style (leftmost placement, unchanged base first): chr13-32340983-GAA-G. GRCh37 (hg19) VCF-style: chr13-32915120-GAA-G.
Other names: 6857delAA; c.6629_6630delAA (NM_000059.3).
Identifiers: ClinVar variation 52137 (VCV000052137.6), dbSNP rs80359611, ClinGen allele CA024228.